The following is an entry in ClinVar:

NM_004999.4(MYO6):c.2357A>G (p.His786Arg)

Gene: MYO6 (myosin VI; plus strand). Cytogenetic location: 6q14.1.
Variant type: single nucleotide variant.
Coding change: c.2357A>G on transcript NM_004999.4 (MANE Select); coding-DNA position 2357, A replaced by G.
Protein change: p.His786Arg; replaces histidine 786 with arginine.
Molecular consequence: missense variant. On other transcripts: non-coding transcript variant (1).
Genome position (GRCh38, 1-based): chr6:75,881,759, A>G. VCF-style: chr6-75881759-A-G. GRCh37 (hg19) VCF-style: chr6-76591476-A-G.
Other names: c.2357A>G, p.His786Arg (NM_001300899.2, NM_001368136.1, NM_001368137.1 and 2 more transcripts); c.2342A>G, p.His781Arg (NM_001368138.1); short protein forms H781R, H786R.
Identifiers: ClinVar variation 1699786 (VCV001699786.2), dbSNP rs780037124, ClinGen allele CA3897355.

ClinVar aggregate classification (germline): Uncertain significance (1 of 4 stars; one submission).

Allele frequency attached by ClinVar (database versions not stated): gnomAD exomes 0.00001 and 0.00002; ExAC 0.00002; TOPMed 0.00005; gnomAD 0.00007.
gnomAD v4.1: 18 of 1,613,948 alleles (0.0011%); highest among the groups gnomAD compares: African/African-American, 0.024%; 1 homozygote.

Submission:

GeneDx
Classification: Uncertain significance. Last evaluated: 2022-01-31. Review status: criteria provided, single submitter. Criteria: GeneDx Variant Classification Process June 2021. Collection method: clinical testing. Allele origin: germline. Affected: yes.
Comment: In silico analysis supports that this missense variant does not alter protein structure/function; Has not been previously published as pathogenic or benign to our knowledge